The following is an entry in ClinVar:

ClinVar aggregate classification (germline): Pathogenic. Review status: criteria provided, multiple submitters, no conflicts (2 of 4 stars). 4 submissions from 4 submitters: Pathogenic (3). 1 of the submissions does not count toward it. Last evaluated 2026-01-20.

Conditions:
Fanconi anemia complementation group F. Also called: FANCF-Related Fanconi Anemia. Identifiers: Orphanet 84, MedGen C3469526, MONDO:0011325, OMIM 603467.
Fanconi anemia (FA). Also called: Fanconi's anemia. Identifiers: Orphanet 84, MedGen C0015625, MeSH D005199, MONDO:0019391.

Submissions (4):

Labcorp Genetics (formerly Invitae), Labcorp
Classification: Pathogenic for Fanconi anemia. Last evaluated: 2026-01-20. Review status: criteria provided, single submitter. Criteria: Invitae Variant Classification Sherloc (09022015). Collection method: clinical testing. Allele origin: germline.
Comment: This sequence change creates a premature translational stop signal (p.Ala29Profs*52) in the FANCF gene. While this is not anticipated to result in nonsense mediated decay, it is expected to disrupt the last 346 amino acid(s) of the FANCF protein. This variant is not present in population databases (gnomAD no frequency). This variant has not been reported in the literature in individuals affected with FANCF-related conditions. ClinVar contains an entry for this variant (Variation ID: 929561). This variant disrupts a region of the FANCF protein in which other variant(s) (p.Leu162Aspfs*103) have been determined to be pathogenic (PMID: 26033879, 27714961, 28102861). This suggests that this is a clinically significant region of the protein, and that variants that disrupt it are likely to be disease-causing. For these reasons, this variant has been classified as Pathogenic.

Baylor Genetics
Classification: Pathogenic for Fanconi anemia complementation group F. Last evaluated: 2024-03-14. Review status: criteria provided, single submitter. Criteria: ACMG Guidelines, 2015. Collection method: clinical testing. Allele origin: unknown.

Fulgent Genetics
Classification: Pathogenic for Fanconi anemia complementation group F. Last evaluated: 2024-02-15. Review status: criteria provided, single submitter. Criteria: ACMG Guidelines, 2015. Collection method: clinical testing. Allele origin: germline.

Leiden Open Variation Database
Classification: Pathogenic for Fanconi anemia complementation group F. Last evaluated: 2011-02-07. Review status: no assertion criteria provided. Collection method: curation. Allele origin: germline. Affected: yes. Not counted in ClinVar's aggregate classification.
Comment: Curator: Arleen D. Auerbach. Submitter to LOVD: Arleen D. Auerbach.

Literature cited by the submitters: PubMed 26033879 (cited by Labcorp Genetics (formerly Invitae), Labcorp); PubMed 27714961 (cited by Labcorp Genetics (formerly Invitae), Labcorp); PubMed 28102861 (cited by Labcorp Genetics (formerly Invitae), Labcorp).

NM_022725.4(FANCF):c.84del (p.Ala29fs)

Gene: FANCF (FA complementation group F; minus strand). Cytogenetic location: 11p14.3.
Variant type: Deletion.
Coding change: c.84del on transcript NM_022725.4 (MANE Select); coding-DNA position 84, one base deleted (C; older notation c.84delC).
Protein change: p.Ala29fs; shifts the reading frame from alanine 29.
Molecular consequence: frameshift variant.
Genome position (GRCh38, 1-based): chr11:22,625,727, G deleted on the plus strand (C on the coding strand, the reverse complement: FANCF is on the minus strand); the first of 4 consecutive G bases (chr11:22,625,727-22,625,730); deleting any one gives the same sequence. VCF-style (leftmost placement, unchanged base first): chr11-22625726-CG-C. GRCh37 (hg19) VCF-style: chr11-22647272-CG-C.
Other names: short protein forms A29fs.
Identifiers: ClinVar variation 929561 (VCV000929561.13), dbSNP rs1275961745, ClinGen allele CA674710102.
Genomic context (GRCh38, chr11:22,625,726, plus strand): 5'-CAAAGCGCCGATGGATGTGGCGCAGGTAGCGCGCCCACTGCAAGGCCCGGCGCACGGTGG[CG>C]GGGTCCCAGGTGCTGACGTAGGTAGTGCTTGAGACCGCCAGAAGCTCGGAAAAGCGATCC-3'